The following is an entry in ClinVar:

ClinVar aggregate classification (germline): Uncertain significance. Review status: criteria provided, multiple submitters, no conflicts (2 of 4 stars). 5 submissions from 5 submitters: Uncertain significance (5). Last evaluated 2022-06-27.

Conditions:
Muscular dystrophy-dystroglycanopathy (congenital with brain and eye anomalies), type A1 (MDDGA1). Also called: WALKER-WARBURG SYNDROME OR MUSCLE-EYE-BRAIN DISEASE, POMT1-RELATED; Hydrocephalus, agyria and retinal dysplasia; Hard +/- E syndrome; Warburg syndrome; Chemke syndrome; Pagon syndrome. Identifiers: Orphanet 588, Orphanet 899, MedGen C4284790, MONDO:0009364, OMIM 236670.
Muscular dystrophy-dystroglycanopathy (congenital with brain and eye anomalies), type A2. Also called: MUSCULAR DYSTROPHY-DYSTROGLYCANOPATHY (CONGENITAL WITH BRAIN AND EYE ANOMALIES), TYPE A, 2; WALKER-WARBURG SYNDROME OR MUSCLE-EYE-BRAIN DISEASE, POMT2-RELATED. Identifiers: Orphanet 588, Orphanet 899, MedGen C3150411, MONDO:0013154, OMIM 613150.
Muscular dystrophy-dystroglycanopathy (congenital with impaired intellectual development), type B, 2. Also called: Muscular dystrophy-dystroglycanopathy (congenital with intellectual disability), type B2; MUSCULAR DYSTROPHY, CONGENITAL, POMT2-RELATED. Identifiers: MedGen C3150416, MONDO:0013160, OMIM 613156.
Autosomal recessive limb-girdle muscular dystrophy type 2N. Also called: MUSCULAR DYSTROPHY-DYSTROGLYCANOPATHY, LIMB-GIRDLE, POMT2-RELATED; Muscular dystrophy-dystroglycanopathy (limb-girdle), type C, 2. Identifiers: Orphanet 206559, MedGen C3150418, MONDO:0013162, OMIM 613158.

Allele frequency attached by ClinVar (database versions not stated): ExAC 0.00001; gnomAD 0.00001; gnomAD exomes 0.00003 and 0.00002; TOPMed 0.00001.
gnomAD v4.1: 39 of 1,613,624 alleles (0.0024%); highest among the groups gnomAD compares: Middle Eastern, 0.016%; no homozygotes.

Submissions (5):

Labcorp Genetics (formerly Invitae), Labcorp
Classification: Uncertain significance for Muscular dystrophy-dystroglycanopathy (congenital with impaired intellectual development), type B, 2; Muscular dystrophy-dystroglycanopathy (congenital with brain and eye anomalies), type A2; Autosomal recessive limb-girdle muscular dystrophy type 2N. Last evaluated: 2022-06-27. Review status: criteria provided, single submitter. Criteria: Invitae Variant Classification Sherloc (09022015). Collection method: clinical testing. Allele origin: germline.
Comment: This sequence change replaces arginine, which is basic and polar, with tryptophan, which is neutral and slightly polar, at codon 624 of the POMT2 protein (p.Arg624Trp). This variant is present in population databases (rs749335757, gnomAD 0.006%). This missense change has been observed in individual(s) with intellectual disability (PMID: 30091983). ClinVar contains an entry for this variant (Variation ID: 448118). Algorithms developed to predict the effect of missense changes on protein structure and function are either unavailable or do not agree on the potential impact of this missense change (SIFT: "Deleterious"; PolyPhen-2: "Benign"; Align-GVGD: "Class C0"). In summary, the available evidence is currently insufficient to determine the role of this variant in disease. Therefore, it has been classified as a Variant of Uncertain Significance.

Fulgent Genetics
Classification: Uncertain significance for Muscular dystrophy-dystroglycanopathy (congenital with brain and eye anomalies), type A1; Muscular dystrophy-dystroglycanopathy (congenital with brain and eye anomalies), type A2; Muscular dystrophy-dystroglycanopathy (congenital with impaired intellectual development), type B, 2; Autosomal recessive limb-girdle muscular dystrophy type 2N. Last evaluated: 2021-09-24. Review status: criteria provided, single submitter. Criteria: ACMG Guidelines, 2015. Collection method: clinical testing. Allele origin: unknown.

Athena Diagnostics
Classification: Uncertain significance. Last evaluated: 2021-03-02. Review status: criteria provided, single submitter. Criteria: Athena Diagnostics criteria. Collection method: clinical testing. Allele origin: unknown.

Revvity Omics, Revvity
Classification: Uncertain significance. Last evaluated: 2019-09-28. Review status: criteria provided, single submitter. Criteria: ACMG Guidelines, 2015. Collection method: clinical testing. Allele origin: germline.

Eurofins Ntd Llc (ga)
Classification: Uncertain significance. Last evaluated: 2018-05-22. Review status: criteria provided, single submitter. Criteria: EGL ClinVar v180209 classification definitions. Collection method: clinical testing. Allele origin: germline. Observed: 1 variant allele, 1 heterozygote.

Literature cited by the submitters: PubMed 30091983 (cited by Labcorp Genetics (formerly Invitae), Labcorp and Athena Diagnostics).

NM_013382.7(POMT2):c.1870C>T (p.Arg624Trp)

Gene: POMT2 (protein O-mannosyltransferase 2; minus strand). Cytogenetic location: 14q24.3.
Variant type: single nucleotide variant.
Coding change: c.1870C>T on transcript NM_013382.7 (MANE Select); coding-DNA position 1870, C replaced by T.
Protein change: p.Arg624Trp; replaces arginine 624 with tryptophan.
Molecular consequence: missense variant.
Genome position (GRCh38, 1-based): chr14:77,279,844, G>A on the plus strand (C>T on the coding strand, the complement: POMT2 is on the minus strand). VCF-style: chr14-77279844-G-A. GRCh37 (hg19) VCF-style: chr14-77746187-G-A.
Other names: short protein forms R624W.
Identifiers: ClinVar variation 448118 (VCV000448118.16), dbSNP rs749335757, ClinGen allele CA7285669.
Genomic context (GRCh38, chr14:77,279,844, plus strand): 5'-GCCGCCAGGTCAGGGGAGGGAGAGCCCAGAGGACCTGACCTGCAACCTCCGCTGGCAGCC[G>A]TGCCCCTCTCTGCATGGCTACAGCAATGATGCTCCCTGAGAGGAGGTAGAGGGCGATGCT-3'
Protein context (NP_037514.2, residues 614-634): IIAVAMQRGA[Arg624Trp]LPAEVAGLSQ